The following is an entry in ClinVar:

ClinVar aggregate classification (germline): Uncertain significance. Review status: criteria provided, multiple submitters, no conflicts (2 of 4 stars). 2 submissions from 2 submitters: Uncertain significance (2). Last evaluated 2022-10-10.

Conditions:
Spermatogenic failure 18. Identifiers: MedGen C4539783, MONDO:0054615, OMIM 617576.
Ciliary dyskinesia, primary, 37 (CILD37). Also called: CILIARY DYSKINESIA, PRIMARY, 37, WITH OR WITHOUT SITUS INVERSUS. Identifiers: MedGen C4539798, MONDO:0033204, OMIM 617577.

Allele frequency attached by ClinVar (database versions not stated): ExAC 0.00001; gnomAD exomes 0.00002 and 0.00003; gnomAD 0.00004 and 0.00005; TOPMed 0.00004; ESP Exome Variant Server 0.00008.
gnomAD v4.1: 58 of 1,613,910 alleles (0.0036%); highest among the groups gnomAD compares: Non-Finnish European, 0.0045%; no homozygotes.

Submissions (2):

Blueprint Genetics
Classification: Uncertain significance. Last evaluated: 2022-10-10. Review status: criteria provided, single submitter. Criteria: ACMG Guidelines, 2015. Collection method: clinical testing. Allele origin: germline.

Labcorp Genetics (formerly Invitae), Labcorp
Classification: Uncertain significance for Ciliary dyskinesia, primary, 37; Spermatogenic failure 18. Last evaluated: 2022-06-20. Review status: criteria provided, single submitter. Criteria: Invitae Variant Classification Sherloc (09022015). Collection method: clinical testing. Allele origin: germline.
Comment: This sequence change replaces threonine, which is neutral and polar, with methionine, which is neutral and non-polar, at codon 385 of the DNAH1 protein (p.Thr385Met). This variant is present in population databases (rs369555260, gnomAD 0.004%). This variant has not been reported in the literature in individuals affected with DNAH1-related conditions. ClinVar contains an entry for this variant (Variation ID: 847031). Algorithms developed to predict the effect of missense changes on protein structure and function are either unavailable or do not agree on the potential impact of this missense change (SIFT: "Deleterious"; PolyPhen-2: "Benign"; Align-GVGD: "Class C0"). In summary, the available evidence is currently insufficient to determine the role of this variant in disease. Therefore, it has been classified as a Variant of Uncertain Significance.

NM_015512.5(DNAH1):c.1154C>T (p.Thr385Met)

Gene: DNAH1 (dynein axonemal heavy chain 1; plus strand). Cytogenetic location: 3p21.1.
Variant type: single nucleotide variant.
Coding change: c.1154C>T on transcript NM_015512.5 (MANE Select); coding-DNA position 1154, C replaced by T.
Protein change: p.Thr385Met; replaces threonine 385 with methionine.
Molecular consequence: missense variant.
Genome position (GRCh38, 1-based): chr3:52,332,262, C>T. VCF-style: chr3-52332262-C-T. GRCh37 (hg19) VCF-style: chr3-52366278-C-T.
Other names: short protein forms T385M.
Identifiers: ClinVar variation 847031 (VCV000847031.5), dbSNP rs369555260, ClinGen allele CA2432890.